The following is an entry in ClinVar:

ClinVar aggregate classification (germline): Uncertain significance (1 of 4 stars; one submission).

Submission:

GeneDx
Classification: Uncertain significance. Last evaluated: 2023-03-27. Review status: criteria provided, single submitter. Criteria: GeneDx Variant Classification Process June 2021. Collection method: clinical testing. Allele origin: germline. Affected: yes.
Comment: Not observed at significant frequency in large population cohorts (gnomAD); In silico analysis supports that this missense variant does not alter protein structure/function; Has not been previously published as pathogenic or benign to our knowledge

NM_001005273.3(CHD3):c.4070A>G (p.Gln1357Arg)

Gene: CHD3 (chromodomain helicase DNA binding protein 3; plus strand). Cytogenetic location: 17p13.1.
Variant type: single nucleotide variant.
Coding change: c.4070A>G on transcript NM_001005273.3 (MANE Select); coding-DNA position 4070, A replaced by G.
Protein change: p.Gln1357Arg; replaces glutamine 1357 with arginine.
Molecular consequence: missense variant.
Genome position (GRCh38, 1-based): chr17:7,904,617, A>G. VCF-style: chr17-7904617-A-G. GRCh37 (hg19) VCF-style: chr17-7807935-A-G.
Other names: c.4247A>G, p.Gln1416Arg (NM_001005271.3); c.4070A>G, p.Gln1357Arg (NM_005852.4); short protein forms Q1357R, Q1416R.
Identifiers: ClinVar variation 2581946 (VCV002581946.1), dbSNP rs2545033077, ClinGen allele CA397944668.
Genomic context (GRCh38, chr17:7,904,617, plus strand): 5'-TAGGCAAGGGCAAGCGGGTTCGCAAGCAAGTTAACTACAATGATGCTGCTCAGGAAGACC[A>G]AGGTGAGGACTGCCCCAGATGCAGGCAGTAAAGGGGGGAAGTGATGATGAGTAGGGACTT-3'
Protein context (NP_001005273.1, residues 1347-1367): VNYNDAAQED[Gln1357Arg]DNQSEYSVGS